The following is an entry in ClinVar:

ClinVar aggregate classification (germline): Uncertain significance (1 of 4 stars; one submission).

Submission:

Athena Diagnostics
Classification: Uncertain significance. Last evaluated: 2025-02-25. Review status: criteria provided, single submitter. Criteria: Athena Diagnostics Criteria. Collection method: clinical testing. Allele origin: unknown.
Comment: Available data are insufficient to determine the clinical significance of the variant at this time. This variant has not been reported in large, multi-ethnic general populations. Computational tools yielded inconclusive predictions regarding the effect of this variant on RNA splicing.

NM_001365536.1(SCN9A):c.4399-10G>C

Genes: SCN1A-AS1 (SCN1A and SCN9A antisense RNA 1; plus strand), SCN9A (sodium voltage-gated channel alpha subunit 9; minus strand). Cytogenetic location: 2q24.3.
Variant type: single nucleotide variant.
Coding change: c.4399-10G>C on transcript NM_001365536.1 (MANE Select); 10 bases into the intron before coding-DNA position 4399, G replaced by C.
Molecular consequence: intron variant.
Genome position (GRCh38, 1-based): chr2:166,204,474, C>G on the plus strand (G>C on the coding strand, the complement: SCN9A is on the minus strand). VCF-style: chr2-166204474-C-G. GRCh37 (hg19) VCF-style: chr2-167060984-C-G.
Other names: c.4366-10G>C (NM_002977.4).
Identifiers: ClinVar variation 1806842 (VCV001806842.3), dbSNP rs112055635, ClinGen allele CA59789632.